The following is an entry in ClinVar:

NM_025137.4(SPG11):c.6498T>G (p.Ile2166Met)

Gene: SPG11 (SPG11 vesicle trafficking associated, spatacsin; minus strand). Cytogenetic location: 15q21.1.
Variant type: single nucleotide variant.
Coding change: c.6498T>G on transcript NM_025137.4 (MANE Select); coding-DNA position 6498, T replaced by G.
Protein change: p.Ile2166Met; replaces isoleucine 2166 with methionine.
Molecular consequence: missense variant.
Genome position (GRCh38, 1-based): chr15:44,569,485, A>C on the plus strand (T>G on the coding strand, the complement: SPG11 is on the minus strand). VCF-style: chr15-44569485-A-C. GRCh37 (hg19) VCF-style: chr15-44861683-A-C.
Other names: c.6159T>G, p.Ile2053Met (NM_001160227.2); c.6354T>G, p.Ile2118Met (NM_001411132.1); short protein forms I2053M, I2118M, I2166M.
Identifiers: ClinVar variation 3901770 (VCV003901770.1).
Genomic context (GRCh38, chr15:44,569,485, plus strand): 5'-TTCAAAGTAGTGCTTTTTATGCAGCAAATCAAATATGTATGTCATCTCGTTGTACCTTCC[A>C]ATGCCAGTGAGGAGCCGTACCTGTGAAGTGGGAGGACAGCTCGCATCAGCATCACCTGGA-3'
Protein context (NP_079413.3, residues 2156-2176): YGLVVRLLTG[Ile2166Met]GRYNEMTYIF

ClinVar aggregate classification (germline): Uncertain significance (1 of 4 stars; one submission).

gnomAD v4.1: 3 of 1,596,396 alleles (0.00019%); highest among the groups gnomAD compares: Admixed American, 0.0035%; no homozygotes.

Submission:

GeneDx
Classification: Uncertain significance. Last evaluated: 2024-12-05. Review status: criteria provided, single submitter. Criteria: GeneDx Variant Classification Process June 2021. Collection method: clinical testing. Allele origin: germline. Affected: yes.
Comment: Not observed at significant frequency in large population cohorts (gnomAD); In silico analysis indicates that this missense variant does not alter protein structure/function; Has not been previously published as pathogenic or benign to our knowledge